The following is an entry in ClinVar:

NM_001170629.2(CHD8):c.7191C>A (p.His2397Gln)

Gene: CHD8 (chromodomain helicase DNA binding protein 8; minus strand). Cytogenetic location: 14q11.2.
Variant type: single nucleotide variant.
Coding change: c.7191C>A on transcript NM_001170629.2 (MANE Select); coding-DNA position 7191, C replaced by A.
Protein change: p.His2397Gln; replaces histidine 2397 with glutamine.
Molecular consequence: missense variant.
Genome position (GRCh38, 1-based): chr14:21,386,168, G>T on the plus strand (C>A on the coding strand, the complement: CHD8 is on the minus strand). VCF-style: chr14-21386168-G-T. GRCh37 (hg19) VCF-style: chr14-21854327-G-T.
Other names: c.6354C>A, p.His2118Gln (NM_020920.4); short protein forms H2118Q, H2397Q.
Identifiers: ClinVar variation 2842209 (VCV002842209.3), dbSNP rs2501814580, ClinGen allele CA388875716.

ClinVar aggregate classification (germline): Uncertain significance (1 of 4 stars; one submission).

Submission:

Labcorp Genetics (formerly Invitae), Labcorp
Classification: Uncertain significance. Last evaluated: 2023-03-02. Review status: criteria provided, single submitter. Criteria: Invitae Variant Classification Sherloc (09022015). Collection method: clinical testing. Allele origin: germline.
Comment: In summary, the available evidence is currently insufficient to determine the role of this variant in disease. Therefore, it has been classified as a Variant of Uncertain Significance. An algorithm developed to predict the effect of missense changes on protein structure and function (PolyPhen-2) suggests that this variant is likely to be tolerated. This sequence change replaces histidine, which is basic and polar, with glutamine, which is neutral and polar, at codon 2397 of the CHD8 protein (p.His2397Gln). This variant is not present in population databases (gnomAD no frequency). This variant has not been reported in the literature in individuals affected with CHD8-related conditions.